The following is an entry in ClinVar:

NM_024528.4(NKAP):c.988C>T (p.Arg330Cys)

Gene: NKAP (NFKB activating protein; minus strand). Cytogenetic location: Xq24.
Variant type: single nucleotide variant.
Coding change: c.988C>T on transcript NM_024528.4 (MANE Select); coding-DNA position 988, C replaced by T.
Protein change: p.Arg330Cys; replaces arginine 330 with cysteine.
Molecular consequence: missense variant.
Genome position (GRCh38, 1-based): chrX:119,930,101, G>A on the plus strand (C>T on the coding strand, the complement: NKAP is on the minus strand). VCF-style: chrX-119930101-G-A. GRCh37 (hg19) VCF-style: chrX-119064064-G-A.
Other names: short protein forms R330C.
Identifiers: ClinVar variation 827654 (VCV000827654.7), dbSNP rs1603379781, ClinGen allele CA414193321.

ClinVar aggregate classification (germline): Conflicting classifications of pathogenicity. Review status: criteria provided, conflicting classifications (1 of 4 stars). 3 submissions from 3 submitters: Pathogenic (1); Uncertain significance (1). 1 of the submissions does not count toward it. Last evaluated 2024-05-05.

Conditions:
Inborn genetic diseases. Identifiers: MedGen C0950123, MeSH D030342.
Intellectual developmental disorder, X-linked, syndromic, Hackmann-Di Donato type. Also called: MENTAL RETARDATION, X-LINKED, WITH MARFANOID HABITUS, 2. Identifiers: Orphanet 700325, MedGen C5393302, MONDO:0026733, OMIM 301039.

Submissions (3):

GeneDx
Classification: Pathogenic. Last evaluated: 2024-05-05. Review status: criteria provided, single submitter. Criteria: GeneDx Variant Classification Process June 2021. Collection method: clinical testing. Allele origin: germline. Affected: yes.
Comment: Published functional studies demonstrate a damaging effect on the expression and subcellular distribution of NKAP (PMID: 38647244); Not observed at significant frequency in large population cohorts (gnomAD); In silico analysis supports that this missense variant has a deleterious effect on protein structure/function; This variant is associated with the following publications: (PMID: 38348832, 31587868, 38647244)

Ambry Genetics
Classification: Uncertain significance for Inborn genetic diseases. Last evaluated: 2020-08-17. Review status: criteria provided, single submitter. Criteria: Ambry Variant Classification Scheme 2023. Collection method: clinical testing. Allele origin: germline.
Comment: The alteration results in an amino acid change:_x000D_ _x000D_ The c.988C>T (p.R330C) alteration is located in exon 8 (coding exon 8) of the NKAP gene. This alteration results from a C to T substitution at nucleotide position 988, causing the arginine (R) at amino acid position 330 to be replaced by a cysteine (C). The alteration is not observed in population databases:_x000D_ _x000D_ Based on data from the Genome Aggregation Database (gnomAD), the NKAP c.988C>T alteration was not observed, with coverage at this position. Alterations at the same codon with different amino acid substitutions (p.R330H and p.R330Q) have also been observed in affected individuals with similar features (Fiordaliso, 2019). The altered amino acid is conserved throughout evolution:_x000D_ _x000D_ The p.R330 amino acid is conserved in available vertebrate species. The alteration is predicted deleterious by in silico modeling:_x000D_ _x000D_ The p.R330C alteration is predicted to be deleterious by in silico analysis. Based on insufficient or conflicting evidence, the clinical significance of this alteration remains unclear.

OMIM
Classification: Pathogenic for INTELLECTUAL DEVELOPMENTAL DISORDER, X-LINKED, SYNDROMIC, HACKMANN-DI DONATO TYPE. Last evaluated: 2020-03-17. Review status: no assertion criteria provided. Collection method: literature only. Allele origin: germline. Not counted in ClinVar's aggregate classification.

Literature cited by the submitters: PubMed 31587868 (cited by Ambry Genetics and OMIM).